The following is an entry in ClinVar:

ClinVar aggregate classification (germline): Pathogenic (1 of 4 stars; one submission).

Conditions:
Hereditary cancer-predisposing syndrome. Also called: Neoplastic Syndromes, Hereditary; Tumor predisposition; Hereditary Cancer Syndrome; Hereditary neoplastic syndrome. Identifiers: Orphanet 140162, MedGen C0027672, MeSH D009386, MONDO:0015356.

Submission:

Ambry Genetics
Classification: Pathogenic for Hereditary cancer-predisposing syndrome. Last evaluated: 2025-09-25. Review status: criteria provided, single submitter. Criteria: Ambry Variant Classification Scheme 2023. Collection method: clinical testing. Allele origin: germline.
Comment: The c.6474delT pathogenic mutation, located in coding exon 10 of the BRCA2 gene, results from a deletion of one nucleotide at nucleotide position 6474, causing a translational frameshift with a predicted alternate stop codon (p.Q2159Nfs*9). This variant is considered to be rare based on population cohorts in the Genome Aggregation Database (gnomAD). This alteration is expected to result in loss of function by premature protein truncation or nonsense-mediated mRNA decay. As such, this alteration is interpreted as a disease-causing mutation.

NM_000059.4(BRCA2):c.6474del (p.Gln2159fs)

Gene: BRCA2 (BRCA2 DNA repair associated; plus strand). Cytogenetic location: 13q13.1.
Variant type: Deletion.
Coding change: c.6474del on transcript NM_000059.4 (MANE Select); coding-DNA position 6474, one base deleted (T; older notation c.6474delT).
Protein change: p.Gln2159fs; shifts the reading frame from glutamine 2159.
Molecular consequence: frameshift variant.
Genome position (GRCh38, 1-based): chr13:32,340,829, T deleted; the last of 3 consecutive T bases (chr13:32,340,827-32,340,829); deleting any one gives the same sequence. VCF-style (leftmost placement, unchanged base first): chr13-32340826-AT-A. GRCh37 (hg19) VCF-style: chr13-32914963-AT-A.
Other names: c.6474delT (NM_000059.3); short protein forms Q2159fs.
Identifiers: ClinVar variation 4628432 (VCV004628432.1).
Genomic context (GRCh38, chr13:32,340,826, plus strand): 5'-TGTTGAAGGTGGTTCTTCAGAAAATAATCACTCTATTAAAGTTTCTCCATATCTCTCTCA[AT>A]TTCAACAAGACAAACAACAGTTGGTATTAGGAACCAAAGTGTCACTTGTTGAGAACATTC-3'